The following is an entry in ClinVar:

ClinVar aggregate classification (germline): Likely pathogenic (1 of 4 stars; one submission).

Conditions:
Intellectual developmental disorder with or without epilepsy or cerebellar ataxia. Identifiers: MedGen C4748041, MONDO:0060745, OMIM 618060.

gnomAD v4.1: 1 of 1,613,908 alleles (0.000062%); highest among the groups gnomAD compares: African/African-American, 0.0013%; no homozygotes.

Submission:

3billion
Classification: Likely pathogenic for Intellectual developmental disorder with or without epilepsy or cerebellar ataxia. Last evaluated: 2024-01-11. Review status: criteria provided, single submitter. Criteria: ACMG Guidelines, 2015. Collection method: clinical testing. Allele origin: germline. Affected: yes.
Comment: The variant is not observed in the gnomAD v2.1.1 dataset. Predicted Consequence/Location: Canonical splice site: predicted to alter splicing and result in a loss or disruption of normal protein function. Multiple pathogenic loss-of-function variants are reported downstream of the variant. Therefore, this variant is classified as Likely pathogenic according to the recommendation of ACMG/AMP guideline.

NM_134261.3(RORA):c.196+51421T>A

Genes: RORA (RAR related orphan receptor A; minus strand), RORA-AS1 (RORA antisense RNA 1; plus strand). Cytogenetic location: 15q22.2.
Variant type: single nucleotide variant.
Coding change: c.196+51421T>A on transcript NM_134261.3 (MANE Select); 51421 bases into the intron after coding-DNA position 196, T replaced by A.
Molecular consequence: intron variant. On other transcripts: splice donor variant (2).
Genome position (GRCh38, 1-based): chr15:60,627,236, A>T on the plus strand (T>A on the coding strand, the complement: RORA is on the minus strand). VCF-style: chr15-60627236-A-T. GRCh37 (hg19) VCF-style: chr15-60919435-A-T.
Other names: c.137+2T>A (NM_134260.3, NM_002943.4).
Identifiers: ClinVar variation 3775344 (VCV003775344.1).